The following is an entry in ClinVar:

NM_001195248.2(APTX):c.214G>A (p.Val72Ile)

Gene: APTX (aprataxin; minus strand). Cytogenetic location: 9p21.1.
Variant type: single nucleotide variant.
Coding change: c.214G>A on transcript NM_001195248.2 (MANE Select); coding-DNA position 214, G replaced by A.
Protein change: p.Val72Ile; replaces valine 72 with isoleucine.
Molecular consequence: missense variant. On other transcripts: 5 prime UTR variant (8), non-coding transcript variant (3), intron variant (4).
Genome position (GRCh38, 1-based): chr9:32,987,813, C>T on the plus strand (G>A on the coding strand, the complement: APTX is on the minus strand). VCF-style: chr9-32987813-C-T. GRCh37 (hg19) VCF-style: chr9-32987811-C-T.
Other names: c.214G>A (NM_175073.2); c.214G>A, p.Val72Ile (NM_001195249.2, NM_001195251.2, NM_001195252.2 and 7 more transcripts); c.-51G>A (NM_001369002.1, NM_001369003.1, NM_001369004.1 and 5 more transcripts); c.134-82G>A (NM_001369001.1, NM_001369000.1, NM_001195250.2 and 1 more transcripts); short protein forms V72I.
Identifiers: ClinVar variation 1427929 (VCV001427929.8), dbSNP rs367998288, ClinGen allele CA5022556.
Genomic context (GRCh38, chr9:32,987,813, plus strand): 5'-CATTCACCATGTGGAGAACCTGGCCAGGCTGCAGCTTCACCTCTTGGTCCTTCCCAATTA[C>T]GACTGAGTCAATGCTGGTGGGATTGACTCCTACCTATGGAATAAACAATCAGAAAATAAT-3'
Protein context (NP_001182177.2, residues 62-82): GVNPTSIDSV[Val72Ile]IGKDQEVKLQ

ClinVar aggregate classification (germline): Conflicting classifications of pathogenicity. Review status: criteria provided, conflicting classifications (1 of 4 stars). 2 submissions from 2 submitters: Uncertain significance (1); Likely benign (1). Last evaluated 2025-09-15.

Conditions:
Inborn genetic diseases. Identifiers: MedGen C0950123, MeSH D030342.

Allele frequency attached by ClinVar (database versions not stated): ExAC 0.00002; gnomAD exomes 0.00002 and 0.00003; TOPMed 0.00003; gnomAD 0.00005; ESP Exome Variant Server 0.00008.
gnomAD v4.1: 50 of 1,613,746 alleles (0.0031%); highest among the groups gnomAD compares: Non-Finnish European, 0.0039%; no homozygotes.

Submissions (2):

Labcorp Genetics (formerly Invitae), Labcorp
Classification: Uncertain significance. Last evaluated: 2025-09-15. Review status: criteria provided, single submitter. Criteria: Invitae Variant Classification Sherloc (09022015). Collection method: clinical testing. Allele origin: germline.
Comment: This sequence change replaces valine, which is neutral and non-polar, with isoleucine, which is neutral and non-polar, at codon 72 of the APTX protein (p.Val72Ile). This variant is present in population databases (rs367998288, gnomAD 0.006%). This variant has not been reported in the literature in individuals affected with APTX-related conditions. ClinVar contains an entry for this variant (Variation ID: 1427929). Invitae Evidence Modeling of protein sequence and biophysical properties (such as structural, functional, and spatial information, amino acid conservation, physicochemical variation, residue mobility, and thermodynamic stability) indicates that this missense variant is not expected to disrupt APTX protein function with a negative predictive value of 80%. In summary, the available evidence is currently insufficient to determine the role of this variant in disease. Therefore, it has been classified as a Variant of Uncertain Significance.

Ambry Genetics
Classification: Likely benign for Inborn genetic diseases. Last evaluated: 2023-02-14. Review status: criteria provided, single submitter. Criteria: Ambry Variant Classification Scheme 2023. Collection method: clinical testing. Allele origin: germline.